The following is an entry in ClinVar:

ClinVar aggregate classification (germline): Likely benign. Review status: reviewed by expert panel (3 of 4 stars). 7 submissions from 7 submitters: Likely benign (1). 6 of the submissions do not count toward it. Last evaluated 2025-05-19.

Conditions:
Juvenile retinoschisis (RS1). Also called: X-linked retinoschisis; X-Linked Juvenile Retinoschisis. Identifiers: Orphanet 792, MedGen C3714753, MONDO:0010725, OMIM 312700.
RS1-related disorder. Also called: RS1-related condition.

Allele frequency attached by ClinVar (database versions not stated): TOPMed 0.00019; gnomAD 0.00022 and 0.00021; ExAC 0.00029; ESP Exome Variant Server 0.00066; gnomAD exomes 0.00017 and 0.00028.
gnomAD v4.1: 334 of 1,208,929 alleles (0.028%); highest among the groups gnomAD compares: Non-Finnish European, 0.035%; no homozygotes.

Submissions (7):

ClinGen X-linked Inherited Retinal Disease Variant Curation Expert Panel, ClinGen
Classification: Likely benign for Juvenile retinoschisis. Last evaluated: 2025-05-19. Review status: reviewed by expert panel. Criteria: ClinGen X LinkedIRD ACMG Specifications RS1 V1.0.0. Collection method: curation. Allele origin: germline. Inheritance: X-linked inheritance.
Comment: The NM_000330.4(RS1):c.264G>C variant is a missense variant encoding the substitution of Glutamine with Histidine at amino acid 88. This variant is present in gnomAD v.4.1.0 at a frequency of 0.0002598 among hemizygous individuals, with 103 variant alleles / 396503 total hemizygous alleles, which is higher than the ClinGen X-linked IRD VCEP BA1 threshold of >0.0002 (BA1). The computational predictor REVEL gives a score of 0.804, which is within the ClinGen X-linked IRD VCEP range between 0.931 to 0.773 and predicts a damaging effect on RS1 function (PP3_moderate). The computational splicing predictor SpliceAI gives a delta score of 0.00 for all predictive splice changes, which is below the ClinGen X-linked IRD VCEP threshold of >0.2 and does not predict that the variant disrupts RS1 splicing. In summary, this variant is classified as likely benign for X-linked retinoschisis based on the ClinGen X-linked Inherited Retinal Disease Expert Panel Specifications to the ACMG/AMP Variant Interpretation Guidelines for RS1 Version 1.0.0: BA1, PP3_moderate (date of approval 01/24/2025).

PreventionGenetics, part of Exact Sciences
Classification: Likely benign for RS1-related condition. Last evaluated: 2026-07-29. Review status: criteria provided, single submitter. Criteria: ACMG Guidelines, 2015. Collection method: clinical testing. Allele origin: germline. Not counted in ClinVar's aggregate classification.
Comment: This variant is classified as likely benign based on ACMG/AMP sequence variant interpretation guidelines (Richards et al. 2015 PMID: 25741868, with internal and published modifications).

Labcorp Genetics (formerly Invitae), Labcorp
Classification: Benign. Last evaluated: 2026-01-09. Review status: criteria provided, single submitter. Criteria: Invitae Variant Classification Sherloc (09022015). Collection method: clinical testing. Allele origin: germline. Not counted in ClinVar's aggregate classification.

Blueprint Genetics
Classification: Likely benign. Last evaluated: 2024-11-04. Review status: criteria provided, single submitter. Criteria: ACMG Guidelines, 2015. Collection method: clinical testing. Allele origin: germline. Not counted in ClinVar's aggregate classification.

CeGaT Center for Human Genetics Tuebingen
Classification: Likely benign. Last evaluated: 2022-11-01. Review status: criteria provided, single submitter. Criteria: CeGaT Center For Human Genetics Tuebingen Variant Classification Criteria Version 2. Collection method: clinical testing. Allele origin: germline. Affected: yes. Observed: 1 variant allele. Not counted in ClinVar's aggregate classification.
Comment: CDKL5: BS2; RS1: BS2

Natera, Inc.
Classification: Likely benign for X-linked retinoschisis. Last evaluated: 2020-02-01. Review status: no assertion criteria provided. Collection method: clinical testing. Allele origin: germline. Not counted in ClinVar's aggregate classification.

Department of Pathology and Laboratory Medicine, Sinai Health System
Classification: Uncertain significance. Review status: no assertion criteria provided. Collection method: clinical testing. Allele origin: unknown. Affected: yes. Study: The Canadian Open Genetics Repository (COGR). Not counted in ClinVar's aggregate classification.
Comment: The RS1 p.Gln88His variant was not identified in the literature nor was it identified in ClinVar, Cosmic or LOVD 3.0. The variant was identified in dbSNP (ID: rs201680258) and in control databases in 32 of 205243 chromosomes (13 hemizygous) at a frequency of 0.000156 (Genome Aggregation Database March 6, 2019, v2.1.1). The variant was observed in the European (non-Finnish) population in 31 of 92671 chromosomes (freq: 0.0003345) and the African population in 1 of 18984 chromosome (freq: 0.00005268) but not in the Latino, Ashkenazi Jewish, East Asian, European (Finnish), Other and South Asian populations. The p.Gln88 residue is conserved in mammals and computational analyses (PolyPhen-2, SIFT, AlignGVGD, BLOSUM, MutationTaster) provide inconsistent predictions regarding the impact to the protein; this information is not very predictive of pathogenicity. The variant occurs outside of the splicing consensus sequence and 2 of 4 in silico or computational prediction software programs (SpliceSiteFinder, MaxEntScan, NNSPLICE, GeneSplicer) predict a greater than 10% difference in splicing; this is not very predictive of pathogenicity. In summary, based on the above information the clinical significance of this variant cannot be determined with certainty at this time. This variant is classified as a variant of uncertain significance.

NM_000330.4(RS1):c.264G>C (p.Gln88His)

Genes: CDKL5 (cyclin dependent kinase like 5; plus strand), RS1 (retinoschisin 1; minus strand). Cytogenetic location: Xp22.13.
Variant type: single nucleotide variant.
Coding change: c.264G>C on transcript NM_000330.4 (MANE Select); coding-DNA position 264, G replaced by C.
Protein change: p.Gln88His; replaces glutamine 88 with histidine.
Molecular consequence: missense variant. On other transcripts: intron variant (2).
Genome position (GRCh38, 1-based): chrX:18,647,253, C>G on the plus strand (G>C on the coding strand, the complement: RS1 is on the minus strand). VCF-style: chrX-18647253-C-G. GRCh37 (hg19) VCF-style: chrX-18665373-C-G.
Other names: NM_000330.4(RS1):c.264G>C; p.Gln88His; c.2797+1163C>G (NM_003159.3, NM_001037343.2); short protein forms Q88H.
Identifiers: ClinVar variation 730036 (VCV000730036.37), dbSNP rs201680258, ClinGen allele CA10360709.